The following is an entry in ClinVar:

ClinVar aggregate classification (germline): Uncertain significance (1 of 4 stars; one submission).

Conditions:
Hereditary cancer-predisposing syndrome. Also called: Neoplastic Syndromes, Hereditary; Tumor predisposition; Hereditary Cancer Syndrome; Hereditary neoplastic syndrome. Identifiers: Orphanet 140162, MedGen C0027672, MeSH D009386, MONDO:0015356.

Allele frequency attached by ClinVar (database versions not stated): TOPMed 0.00001.

Submission:

Ambry Genetics
Classification: Uncertain significance for Hereditary cancer-predisposing syndrome. Last evaluated: 2026-08-21. Review status: criteria provided, single submitter. Criteria: Ambry Variant Classification Scheme 2023. Collection method: clinical testing. Allele origin: germline.
Comment: The p.L1175F variant (also known as c.3525G>T), located in coding exon 21 of the PTCH1 gene, results from a G to T substitution at nucleotide position 3525. The leucine at codon 1175 is replaced by phenylalanine, an amino acid with highly similar properties. This amino acid position is highly conserved in available vertebrate species. In addition, this alteration is predicted to be deleterious by in silico analysis. Based on the available evidence, the clinical significance of this variant remains unclear.

NM_000264.5(PTCH1):c.3525G>T (p.Leu1175Phe)

Gene: PTCH1 (patched 1; minus strand). Cytogenetic location: 9q22.32.
Variant type: single nucleotide variant.
Coding change: c.3525G>T on transcript NM_000264.5 (MANE Select); coding-DNA position 3525, G replaced by T.
Protein change: p.Leu1175Phe; replaces leucine 1175 with phenylalanine.
Molecular consequence: missense variant. On other transcripts: non-coding transcript variant (1).
Genome position (GRCh38, 1-based): chr9:95,449,865, C>A on the plus strand (G>T on the coding strand, the complement: PTCH1 is on the minus strand). VCF-style: chr9-95449865-C-A. GRCh37 (hg19) VCF-style: chr9-98212147-C-A.
Other names: c.3327G>T, p.Leu1109Phe (NM_001083602.3); c.3522G>T, p.Leu1174Phe (NM_001083603.3); c.3072G>T, p.Leu1024Phe (NM_001083604.3, NM_001083605.3, NM_001083606.3 and 1 more transcripts); c.3369G>T, p.Leu1123Phe (NM_001354918.2); short protein forms L1024F, L1109F, L1123F, L1174F, L1175F.
Identifiers: ClinVar variation 3231017 (VCV003231017.2), dbSNP rs1231593535, ClinGen allele CA374111484.